The following is an entry in ClinVar:

ClinVar aggregate classification (germline): Uncertain significance. Review status: criteria provided, multiple submitters, no conflicts (2 of 4 stars). 2 submissions from 2 submitters: Uncertain significance (2). Last evaluated 2025-11-17.

gnomAD v4.1: 9 of 1,597,790 alleles (0.00056%); highest among the groups gnomAD compares: African/African-American, 0.0094%; no homozygotes.

Submissions (2):

Labcorp Genetics (formerly Invitae), Labcorp
Classification: Uncertain significance. Last evaluated: 2025-11-17. Review status: criteria provided, single submitter. Criteria: Invitae Variant Classification Sherloc (09022015). Collection method: clinical testing. Allele origin: germline.
Comment: This sequence change replaces arginine, which is basic and polar, with leucine, which is neutral and non-polar, at codon 292 of the GATA5 protein (p.Arg292Leu). The frequency data for this variant in the population databases is considered unreliable, as metrics indicate poor data quality at this position in the gnomAD database. This variant has not been reported in the literature in individuals affected with GATA5-related conditions. ClinVar contains an entry for this variant (Variation ID: 3373546). Invitae Evidence Modeling of protein sequence and biophysical properties (such as structural, functional, and spatial information, amino acid conservation, physicochemical variation, residue mobility, and thermodynamic stability) indicates that this missense variant is expected to disrupt GATA5 protein function with a positive predictive value of 80%. In summary, the available evidence is currently insufficient to determine the role of this variant in disease. Therefore, it has been classified as a Variant of Uncertain Significance.

GeneDx
Classification: Uncertain significance. Last evaluated: 2024-02-29. Review status: criteria provided, single submitter. Criteria: GeneDx Variant Classification Process June 2021. Collection method: clinical testing. Allele origin: germline. Affected: yes.
Comment: Not observed at significant frequency in large population cohorts (gnomAD); In silico analysis supports that this missense variant has a deleterious effect on protein structure/function; Has not been previously published as pathogenic or benign to our knowledge

NM_080473.5(GATA5):c.875G>T (p.Arg292Leu)

Gene: GATA5 (GATA binding protein 5; minus strand). Cytogenetic location: 20q13.33.
Variant type: single nucleotide variant.
Coding change: c.875G>T on transcript NM_080473.5 (MANE Select); coding-DNA position 875, G replaced by T.
Protein change: p.Arg292Leu; replaces arginine 292 with leucine.
Molecular consequence: missense variant.
Genome position (GRCh38, 1-based): chr20:62,465,872, C>A on the plus strand (G>T on the coding strand, the complement: GATA5 is on the minus strand). VCF-style: chr20-62465872-C-A. GRCh37 (hg19) VCF-style: chr20-61040928-C-A.
Other names: short protein forms R292L.
Identifiers: ClinVar variation 3373546 (VCV003373546.3).
Genomic context (GRCh38, chr20:62,465,872, plus strand): 5'-ACTGCAGGGCCTGGCCACGCACCTGAGGAGCCCCTGGCCTTGGCGATGGTCTTTGGCTTC[C>A]GCTTCCGTGTCTGGATGCTTTCCTTCTTCATAGCCAGAGGCCGCGGCACCTGGCAGGGGT-3'
Protein context (NP_536721.1, residues 282-302): MKKESIQTRK[Arg292Leu]KPKTIAKARG